The following is an entry in ClinVar:

NM_005732.4(RAD50):c.1546A>G (p.Arg516Gly)

Gene: RAD50 (RAD50 double strand break repair protein; plus strand). Cytogenetic location: 5q31.1.
Variant type: single nucleotide variant.
Coding change: c.1546A>G on transcript NM_005732.4 (MANE Select); coding-DNA position 1546, A replaced by G.
Protein change: p.Arg516Gly; replaces arginine 516 with glycine.
Molecular consequence: missense variant.
Genome position (GRCh38, 1-based): chr5:132,591,317, A>G. VCF-style: chr5-132591317-A-G. GRCh37 (hg19) VCF-style: chr5-131927009-A-G.
Other names: short protein forms R516G.
Identifiers: ClinVar variation 935093 (VCV000935093.11), dbSNP rs750234018, ClinGen allele CA360945839.

ClinVar aggregate classification (germline): Uncertain significance. Review status: criteria provided, multiple submitters, no conflicts (2 of 4 stars). 2 submissions from 2 submitters: Uncertain significance (2). Last evaluated 2023-11-09.

Conditions:
Hereditary cancer-predisposing syndrome. Also called: Tumor predisposition; Hereditary neoplastic syndrome; Hereditary Cancer Syndrome; Neoplastic Syndromes, Hereditary. Identifiers: Orphanet 140162, MedGen C0027672, MeSH D009386, MONDO:0015356.
Nijmegen breakage syndrome-like disorder (NBSLD). Also called: MICROCEPHALY AND SPONTANEOUS CHROMOSOME INSTABILITY WITHOUT IMMUNODEFICIENCY; NBS-LIKE DISORDER; RAD50 DEFICIENCY. Identifiers: Orphanet 240760, MedGen C2751318, MONDO:0013118, OMIM 613078.

gnomAD v4.1: 1 of 1,613,702 alleles (0.000062%); highest among the groups gnomAD compares: Admixed American, 0.0017%; no homozygotes.

Submissions (2):

Baylor Genetics
Classification: Uncertain significance for Nijmegen breakage syndrome-like disorder. Last evaluated: 2023-11-09. Review status: criteria provided, single submitter. Criteria: ACMG Guidelines, 2015. Collection method: clinical testing. Allele origin: unknown.

Labcorp Genetics (formerly Invitae), Labcorp
Classification: Uncertain significance for Hereditary cancer-predisposing syndrome. Last evaluated: 2023-09-19. Review status: criteria provided, single submitter. Criteria: Invitae Variant Classification Sherloc (09022015). Collection method: clinical testing. Allele origin: germline.
Comment: In summary, the available evidence is currently insufficient to determine the role of this variant in disease. Therefore, it has been classified as a Variant of Uncertain Significance. Advanced modeling of protein sequence and biophysical properties (such as structural, functional, and spatial information, amino acid conservation, physicochemical variation, residue mobility, and thermodynamic stability) performed at Invitae indicates that this missense variant is not expected to disrupt RAD50 protein function. ClinVar contains an entry for this variant (Variation ID: 935093). This variant has not been reported in the literature in individuals affected with RAD50-related conditions. This variant is present in population databases (no rsID available, gnomAD 0.003%). This sequence change replaces arginine, which is basic and polar, with glycine, which is neutral and non-polar, at codon 516 of the RAD50 protein (p.Arg516Gly).